The following is an entry in ClinVar:

NM_005548.3(KARS1):c.433T>C (p.Tyr145His)

Gene: KARS1 (lysyl-tRNA synthetase 1; minus strand). Cytogenetic location: 16q23.1.
Variant type: single nucleotide variant.
Coding change: c.433T>C on transcript NM_005548.3 (MANE Select); coding-DNA position 433, T replaced by C.
Protein change: p.Tyr145His; replaces tyrosine 145 with histidine.
Molecular consequence: missense variant. On other transcripts: 5 prime UTR variant (1).
Genome position (GRCh38, 1-based): chr16:75,636,503, A>G on the plus strand (T>C on the coding strand, the complement: KARS1 is on the minus strand). VCF-style: chr16-75636503-A-G. GRCh37 (hg19) VCF-style: chr16-75670401-A-G.
Other names: c.517T>C, p.Tyr173His (NM_001130089.2); c.-36T>C (NM_001378148.1); short protein forms Y173H, Y145H.
Identifiers: ClinVar variation 60752 (VCV000060752.8), dbSNP rs397514745, ClinGen allele CA144648.

ClinVar aggregate classification (germline): Conflicting classifications of pathogenicity. Review status: criteria provided, conflicting classifications (1 of 4 stars). 5 submissions from 5 submitters: Pathogenic (1); Likely pathogenic (1); Uncertain significance (1). 2 of the submissions do not count toward it. Last evaluated 2022-05-19.

Conditions:
KARS & KARS1-related disorders.
Leukoencephalopathy, progressive, infantile-onset, with or without deafness. Identifiers: MedGen C5542996, MONDO:0030893, OMIM 619147.
Nonsyndromic genetic hearing loss. Also called: Nonsyndromic hearing loss and deafness; Nonsyndromic genetic deafness; Non-syndromic genetic deafness. Identifiers: Orphanet 87884, MedGen C5680182, MONDO:0019497.
Autosomal recessive nonsyndromic hearing loss 89. Also called: Deafness, autosomal recessive 89. Identifiers: Orphanet 90636, MedGen C3151351, MONDO:0013489, OMIM 613916.

Allele frequency attached by ClinVar (database versions not stated): gnomAD exomes 0.00001 and 0.00003; ExAC 0.00002.
gnomAD v4.1: 13 of 1,613,798 alleles (0.00081%); highest among the groups gnomAD compares: South Asian, 0.013%; no homozygotes.

Submissions (5):

Blueprint Genetics
Classification: Likely pathogenic for KARS & KARS1-related disorders. Last evaluated: 2022-05-19. Review status: criteria provided, single submitter. Criteria: ACMG Guidelines, 2015. Collection method: clinical testing. Allele origin: germline. Affected: yes. Observed: 1 variant allele.

3billion
Classification: Uncertain significance for Leukoencephalopathy, progressive, infantile-onset, with or without deafness. Last evaluated: 2022-01-03. Review status: criteria provided, single submitter. Criteria: ACMG Guidelines, 2015. Collection method: clinical testing. Allele origin: germline. Affected: yes. Observed: 1 homozygote.
Comment: Same nucleotide change resulting in same amino acid change has been previously reported to be associated with KARS1 related disorder (ClinVar ID: VCV000060752, PS1_P). It is observed at an extremely low frequency in the gnomAD v2.1.1 dataset (total allele frequency: 0.000028, PM2_M). A missense variant is a common mechanism associated with Leukoencephalopathy (PP2_P).Therefore, this variant is classified as uncertain significance according to the recommendation of ACMG/AMP guideline.

Center of Genomic medicine, Geneva, University Hospital of Geneva
Classification: Pathogenic for Nonsyndromic genetic hearing loss. Last evaluated: 2017-11-20. Review status: criteria provided, single submitter. Criteria: ACMG Guidelines, 2015. Collection method: clinical testing. Allele origin: inherited. Affected: yes.

Department of Molecular and Human Genetics, Baylor College of Medicine
Classification: Pathogenic for Deafness autosomal recessive 89; DFNB89. Last evaluated: 2014-01-17. Review status: no assertion criteria provided. Collection method: research. Allele origin: germline. Affected: yes. Not counted in ClinVar's aggregate classification.

OMIM
Classification: Pathogenic for DEAFNESS, AUTOSOMAL RECESSIVE 89. Last evaluated: 2013-07-11. Review status: no assertion criteria provided. Collection method: literature only. Allele origin: germline. Not counted in ClinVar's aggregate classification.

Literature cited by the submitters: PubMed 23768514 (cited by Department of Molecular and Human Genetics, Baylor College of Medicine); PubMed 24824130 (cited by Department of Molecular and Human Genetics, Baylor College of Medicine); PubMed 21181198 (cited by OMIM); Santos-Cortez, R. L. P., Lee, K., Azeem, Z., Antonellis, P. J., Pollock, L. M., Khan, S., Irfanullah, Andrade-Elizondo, P. B., Chiu, I., Adams, M. D., Basit, S., Smith, J. D., University of Washington Center for Mendelian Genomics, Nickerson, D. A., McDermott, B. M., Jr., Ahmad, W., Leal, S. M. Mutations in KARS, encoding lysyl-tRNA synthetase, cause autosomal-recessive nonsyndromic hearing impairment DFNB89. Am. J. Hum. Genet. 93: 132-140, 2013. (cited by OMIM).